The following continues an entry in ClinVar:

NM_000059.4(BRCA2):c.1796_1800del (p.Thr598_Ser599insTer)

Gene: BRCA2. ClinVar aggregate classification (germline): Pathogenic. Pathogenic (1).

Submissions 9 to 22 of 33:

PreventionGenetics, part of Exact Sciences
Classification: Pathogenic for BRCA2-related condition. Last evaluated: 2025-05-28. Review status: criteria provided, single submitter. Criteria: ACMG Guidelines, 2015. Collection method: clinical testing. Allele origin: germline. Not counted in ClinVar's aggregate classification.
Comment: The BRCA2 c.1796_1800del5 variant is predicted to result in premature protein termination (p.Ser599*). This variant has been reported to be causative for breast or ovarian cancer (described as c.2022del5, Gayther et al. 1997. PubMed ID: 8988179; Azzollini et al. 2016. PubMed ID: 27062684 ; Table S2, Fostira et al. 2018. PubMed ID: 29335925). This variant is reported in 0.00090% of alleles in individuals of European (Non-Finnish) descent in gnomAD and is interpreted as pathogenic in ClinVar. Nonsense variants in BRCA2 are expected to be pathogenic. This variant is interpreted as pathogenic.

Blueprint Genetics
Classification: Pathogenic for BRCA2-related disorders. Last evaluated: 2024-10-09. Review status: criteria provided, single submitter. Criteria: ACMG Guidelines, 2015. Collection method: clinical testing. Allele origin: germline. Affected: yes. Observed: 5 variant alleles. Not counted in ClinVar's aggregate classification.

All of Us Research Program, National Institutes of Health
Classification: Pathogenic for BRCA2-related cancer predisposition. Last evaluated: 2024-08-08. Review status: criteria provided, single submitter. Criteria: ACMG Guidelines, 2015. Collection method: clinical testing. Allele origin: germline. Inheritance: Autosomal dominant inheritance. Observed: 2 variant alleles, 2 heterozygotes. Not counted in ClinVar's aggregate classification.
Comment: The c.1796_1800del variant in the BRCA2 gene is located on exon 10 and introduces a premature translation termination codon (p.Ser599*), resulting in an absent or disrupted protein product. The variant has been reported in multiple individuals with breast and/or ovarian cancer (PMID: 31957001, 36171877, 31209999, 34645131, 30400234). Frameshift and termination codon variants located in the same exon (p.Gln548*, p.Thr630Asnfs*14) have been interpreted as pathogenic (ClinVar ID: 91754, 51221). Loss-of-function variants in the BRCA2 gene are known to cause hereditary breast and ovarian cancer (PMID: 8988179, 11897832, 29446198). This variant has been reported in ClinVar as pathogenic by the expert panel (ID: 37756). The variant is rare in general population according to gnomAD v2.1.1 (1/244054 chromosomes). Therefore, the c.1796_1800del (p.Ser599*) variant in the BRCA2 gene has been classified as pathogenic.

This study involves interpretation of variants in research participants for the purpose of population health screening. Participant phenotype was not available at the time of variant classification. Additional details can be found in publication PMID: 35346344, PMCID: PMC8962531

Color Diagnostics, LLC DBA Color Health
Classification: Pathogenic for Hereditary cancer-predisposing syndrome. Last evaluated: 2024-04-17. Review status: criteria provided, single submitter. Criteria: ACMG Guidelines, 2015. Collection method: clinical testing. Allele origin: germline. Not counted in ClinVar's aggregate classification.
Comment: This variant deletes 5 nucleotides in exon 10 of the BRCA2 gene, creating a frameshift and premature translation stop signal. This variant is expected to result in an absent or non-functional protein product. This variant has been reported in at least 15 individuals affected with breast, ovarian and/or endometrial cancer (PMID: 9150154, 11754111, 12142080, 15887246, 18694767, 18752448, 22009639, 25371446, 29084914, 33471991; Leiden Open Variation Database DB-ID BRCA2_001800, 33629534, 34657357, 34645131). This variant has been identified in 1/244054 chromosomes in the general population by the Genome Aggregation Database (gnomAD). Loss of BRCA2 function is a known mechanism of disease. Based on the available evidence, this variant is classified as Pathogenic.

Baylor Genetics
Classification: Pathogenic for Familial cancer of breast. Last evaluated: 2024-03-14. Review status: criteria provided, single submitter. Criteria: ACMG Guidelines, 2015. Collection method: clinical testing. Allele origin: unknown. Not counted in ClinVar's aggregate classification.

Fulgent Genetics
Classification: Pathogenic for Familial cancer of breast; Medulloblastoma; Familial prostate cancer; Wilms tumor 1; Fanconi anemia complementation group D1; Breast-ovarian cancer, familial, susceptibility to, 2; Glioma susceptibility 3; Pancreatic cancer, susceptibility to, 2. Last evaluated: 2023-12-22. Review status: criteria provided, single submitter. Criteria: ACMG Guidelines, 2015. Collection method: clinical testing. Allele origin: germline. Not counted in ClinVar's aggregate classification.

GeneDx
Classification: Pathogenic. Last evaluated: 2023-05-11. Review status: criteria provided, single submitter. Criteria: GeneDx Variant Classification Process June 2021. Collection method: clinical testing. Allele origin: germline. Affected: yes. Not counted in ClinVar's aggregate classification.
Comment: Nonsense variant predicted to result in protein truncation or nonsense mediated decay in a gene for which loss-of-function is a known mechanism of disease; Not observed at significant frequency in large population cohorts (gnomAD); Truncating variants in this gene are considered pathogenic by a well-established clinical consortium and/or database; Also known as 2024_2028del, 2024del5, and c.1794_1798del; This variant is associated with the following publications: (PMID: 12142080, 29470806, 30014164, 31794323, 31336956, 34413315, 32438681, 32875559, 30040829, 8988179, 22009639, 22085629, 24549055, 11754111, 27062684, 28724667, 29907814, 29084914, 29335925, 25371446, 22798144, 18694767, 15887246, 11504767, 9150154, 26295337, 22762150, 31209999, 30720243, 30702160, 31396961, 31444830, 31957001, 31447099, 33726785, 31825140, 30787465, 31742824, 30130155, 34645131, 35535697, 32427313, 31871109)

Laboratorio de Genetica e Diagnostico Molecular, Hospital Israelita Albert Einstein
Classification: Pathogenic for Breast-ovarian cancer, familial, susceptibility to, 2. Last evaluated: 2022-12-22. Review status: criteria provided, single submitter. Criteria: ACMG Guidelines, 2015. Collection method: clinical testing. Allele origin: germline. Affected: yes. Observed: 2 variant alleles. Not counted in ClinVar's aggregate classification.
Comment: ACMG classification criteria: PVS1 very strong, PS4 strong, PM2 moderated

Women's Health and Genetics/Laboratory Corporation of America, LabCorp
Classification: Pathogenic for Hereditary breast ovarian cancer syndrome. Last evaluated: 2022-09-19. Review status: criteria provided, single submitter. Criteria: LabCorp Variant Classification Summary - May 2015. Collection method: clinical testing. Allele origin: germline. Not counted in ClinVar's aggregate classification.
Comment: Variant summary: BRCA2 c.1796_1800delCTTAT (p.Ser599X) results in a premature termination codon, predicted to cause a truncation of the encoded protein or absence of the protein due to nonsense mediated decay, which are commonly known mechanisms for disease. Truncations downstream of this position have been classified as pathogenic by our laboratory. The variant allele was found at a frequency of 4.1e-06 in 244054 control chromosomes. c.1796_1800delCTTAT has been reported in the literature in multiple individuals affected with Hereditary Breast And Ovarian Cancer Syndrome (e.g. Kim_2012, Lang_2017, Palmer_2020). These data indicate that the variant is very likely to be associated with disease. To our knowledge, no experimental evidence demonstrating an impact on protein function has been reported. 13 clinical diagnostic laboratories have submitted clinical-significance assessments for this variant to ClinVar after 2014 without evidence for independent evaluation. All laboratories classified the variant as pathogenic/likely pathogenic. Based on the evidence outlined above, the variant was classified as pathogenic.

Clinical Genetics Laboratory, Skane University Hospital Lund
Classification: Pathogenic. Last evaluated: 2022-07-04. Review status: criteria provided, single submitter. Criteria: ACMG Guidelines, 2015. Collection method: clinical testing. Allele origin: germline. Affected: yes. Not counted in ClinVar's aggregate classification.

Laan Lab, Human Genetics Research Group, University of Tartu
Classification: Pathogenic for Breast-ovarian cancer, familial, susceptibility to, 2. Last evaluated: 2021-05-01. Review status: criteria provided, single submitter. Criteria: ACMG Guidelines, 2015. Collection method: research. Allele origin: unknown. Observed: 1 variant allele, 1 heterozygote. Not counted in ClinVar's aggregate classification.

Clinical Cancer Genomics Laboratory, City of Hope Comprehensive Cancer Center
Classification: Likely pathogenic for Breast-ovarian cancer, familial, susceptibility to, 2. Last evaluated: 2021-01-01. Review status: criteria provided, single submitter. Criteria: ACMG Guidelines, 2015. Collection method: clinical testing. Allele origin: germline. Affected: no. Observed: 1 variant allele. Not counted in ClinVar's aggregate classification.

Division Of Personalized Genomic Medicine, Columbia University Irving Medical Center
Classification: Pathogenic for Breast-ovarian cancer, familial, susceptibility to, 2. Last evaluated: 2020-12-10. Review status: criteria provided, single submitter. Criteria: ACMG Guidelines, 2015. Collection method: clinical testing. Allele origin: unknown. Inheritance: Autosomal dominant inheritance. Observed: 1 heterozygote. Not counted in ClinVar's aggregate classification.

Institute of Medical Genetics and Applied Genomics, University Hospital Tübingen
Classification: Pathogenic. Last evaluated: 2020-10-23. Review status: criteria provided, single submitter. Criteria: ACMG Guidelines, 2015. Collection method: clinical testing. Allele origin: germline. Inheritance: Unknown mechanism. Affected: yes. Not counted in ClinVar's aggregate classification.